The following is an entry in ClinVar:

ClinVar aggregate classification (germline): Uncertain significance (1 of 4 stars; one submission).

Submission:

Labcorp Genetics (formerly Invitae), Labcorp
Classification: Uncertain significance. Last evaluated: 2021-03-26. Review status: criteria provided, single submitter. Criteria: Invitae Variant Classification Sherloc (09022015). Collection method: clinical testing. Allele origin: germline.
Comment: In summary, the available evidence is currently insufficient to determine the role of this variant in disease. Therefore, it has been classified as a Variant of Uncertain Significance. Experimental studies and prediction algorithms are not available or were not evaluated, and the functional significance of this variant is currently unknown. This variant has not been reported in the literature in individuals with MYO18B-related conditions. The frequency data for this variant in the population databases is not available, as this variant may be reported as separate entries in the ExAC database. This sequence change replaces asparagine with tyrosine at codon 1372 of the MYO18B protein (p.Asn1372Tyr). The asparagine residue is highly conserved and there is a large physicochemical difference between asparagine and tyrosine.

NM_032608.7(MYO18B):c.4113_4114delinsAT (p.Asn1372Tyr)

Gene: MYO18B (myosin XVIIIB; plus strand). Cytogenetic location: 22q12.1.
Variant type: Indel.
Coding change: c.4113_4114delinsAT on transcript NM_032608.7 (MANE Select); coding-DNA positions 4113 to 4114, GA replaced by AT.
Protein change: p.Asn1372Tyr; replaces asparagine 1372 with tyrosine.
Molecular consequence: missense variant.
Genome position (GRCh38, 1-based): chr22:25,876,221-25,876,222, GA replaced by AT. VCF-style: chr22-25876221-GA-AT. GRCh37 (hg19) VCF-style: chr22-26272188-GA-AT.
Other names: c.4116_4117delinsAT, p.Asn1373Tyr (NM_001318245.2); short protein forms N1373Y, N1372Y.
Identifiers: ClinVar variation 1486358 (VCV001486358.6), dbSNP rs2146196780, ClinGen allele CA2573157900.